The following is an entry in ClinVar:

NM_006736.6(DNAJB2):c.203A>G (p.Tyr68Cys)

Gene: DNAJB2 (DnaJ heat shock protein family (Hsp40) member B2; plus strand). Cytogenetic location: 2q35.
Variant type: single nucleotide variant.
Coding change: c.203A>G on transcript NM_006736.6 (MANE Select); coding-DNA position 203, A replaced by G.
Protein change: p.Tyr68Cys; replaces tyrosine 68 with cysteine.
Molecular consequence: missense variant.
Genome position (GRCh38, 1-based): chr2:219,281,745, A>G. VCF-style: chr2-219281745-A-G. GRCh37 (hg19) VCF-style: chr2-220146467-A-G.
Other names: c.203A>G, p.Tyr68Cys (NM_001039550.2); short protein forms Y68C.
Identifiers: ClinVar variation 842781 (VCV000842781.5), dbSNP rs949341803, ClinGen allele CA65958025.

ClinVar aggregate classification (germline): Uncertain significance (1 of 4 stars; one submission).

Conditions:
Neuronopathy, distal hereditary motor, autosomal recessive 5. Also called: Young adult-onset distal hereditary motor neuropathy; NEUROPATHY, DISTAL HEREDITARY MOTOR, AUTOSOMAL RECESSIVE 5; Spinal muscular atrophy, distal, autosomal recessive, 5. Identifiers: Orphanet 314485, Orphanet 443950, MedGen C4749918, MONDO:0013947, OMIM 614881.

Allele frequency attached by ClinVar (database versions not stated): TOPMed 0.00002; gnomAD 0.00003.

Submission:

Labcorp Genetics (formerly Invitae), Labcorp
Classification: Uncertain significance for Neuronopathy, distal hereditary motor, autosomal recessive 5. Last evaluated: 2022-02-01. Review status: criteria provided, single submitter. Criteria: Invitae Variant Classification Sherloc (09022015). Collection method: clinical testing. Allele origin: germline.
Comment: This sequence change replaces tyrosine, which is neutral and polar, with cysteine, which is neutral and slightly polar, at codon 68 of the DNAJB2 protein (p.Tyr68Cys). This variant is present in population databases (no rsID available, gnomAD 0.007%). This variant has not been reported in the literature in individuals affected with DNAJB2-related conditions. ClinVar contains an entry for this variant (Variation ID: 842781). Algorithms developed to predict the effect of missense changes on protein structure and function are either unavailable or do not agree on the potential impact of this missense change (SIFT: "Deleterious"; PolyPhen-2: "Probably Damaging"; Align-GVGD: "Class C15"). In summary, the available evidence is currently insufficient to determine the role of this variant in disease. Therefore, it has been classified as a Variant of Uncertain Significance.